The following is an entry in ClinVar:

NM_003072.5(SMARCA4):c.4769C>T (p.Ser1590Phe)

Gene: SMARCA4 (SWI/SNF related BAF chromatin remodeling complex subunit ATPase 4; plus strand). Cytogenetic location: 19p13.2.
Variant type: single nucleotide variant.
Coding change: c.4769C>T on transcript NM_003072.5 (MANE Select); coding-DNA position 4769, C replaced by T.
Protein change: p.Ser1590Phe; replaces serine 1590 with phenylalanine.
Molecular consequence: missense variant. On other transcripts: non-coding transcript variant (1).
Genome position (GRCh38, 1-based): chr19:11,060,045, C>T. VCF-style: chr19-11060045-C-T. GRCh37 (hg19) VCF-style: chr19-11170721-C-T.
Other names: c.4769C>T, p.Ser1590Phe (NM_001128844.3); c.4679C>T, p.Ser1560Phe (NM_001128845.2); c.4676C>T, p.Ser1559Phe (NM_001128846.2); c.4670C>T, p.Ser1557Phe (NM_001128847.4, NM_001374457.1); c.4667C>T, p.Ser1556Phe (NM_001128848.2); c.4865C>T, p.Ser1622Phe (NM_001128849.3, NM_001387283.1); short protein forms S1556F, S1557F, S1559F, S1560F, S1590F, S1622F.
Identifiers: ClinVar variation 1054099 (VCV001054099.15), dbSNP rs2076772762, ClinGen allele CA404080193.
Genomic context (GRCh38, chr19:11,060,045, plus strand): 5'-GCTGTGGGGGTGCTGCATTCCCAGAGCTCAAGGCTGTCTTTCCCTCCCGGTCCCCTCCAG[C>T]TCGGTCCGTCAAAGTGAAGATCAAGCTTGGCCGGAAGGAGAAGGCACAGGACCGGCTGAA-3'
Protein context (NP_003063.2, residues 1580-1600): EGEEEGSESE[Ser1590Phe]RSVKVKIKLG

ClinVar aggregate classification (germline): Uncertain significance. Review status: criteria provided, multiple submitters, no conflicts (2 of 4 stars). 4 submissions from 4 submitters: Uncertain significance (4). Last evaluated 2025-10-26.

Conditions:
Intellectual disability, autosomal dominant 16 (CSS4). Also called: COFFIN-SIRIS SYNDROME 4. Identifiers: Orphanet 1465, MedGen C3553249, MONDO:0013821, OMIM 614609.
Rhabdoid tumor predisposition syndrome 2 (RTPS2). Identifiers: Orphanet 231108, Orphanet 69077, MedGen C2750074, MONDO:0013224, OMIM 613325.
Hereditary cancer-predisposing syndrome. Also called: Hereditary Cancer Syndrome; Tumor predisposition; Hereditary neoplastic syndrome; Neoplastic Syndromes, Hereditary. Identifiers: Orphanet 140162, MedGen C0027672, MeSH D009386, MONDO:0015356.

Allele frequency attached by ClinVar (database versions not stated): gnomAD exomes below 0.00001.
gnomAD v4.1: 2 of 1,565,612 alleles (0.00013%); highest among the groups gnomAD compares: Non-Finnish European, 0.00017%; no homozygotes.

Submissions (4):

Labcorp Genetics (formerly Invitae), Labcorp
Classification: Uncertain significance for Rhabdoid tumor predisposition syndrome 2. Last evaluated: 2025-10-26. Review status: criteria provided, single submitter. Criteria: Invitae Variant Classification Sherloc (09022015). Collection method: clinical testing. Allele origin: germline.
Comment: This sequence change replaces serine, which is neutral and polar, with phenylalanine, which is neutral and non-polar, at codon 1622 of the SMARCA4 protein (p.Ser1622Phe). This variant is not present in population databases (gnomAD no frequency). This variant has not been reported in the literature in individuals affected with SMARCA4-related conditions. ClinVar contains an entry for this variant (Variation ID: 1054099). An algorithm developed to predict the effect of missense changes on protein structure and function (PolyPhen-2) suggests that this variant is likely to be tolerated. In summary, the available evidence is currently insufficient to determine the role of this variant in disease. Therefore, it has been classified as a Variant of Uncertain Significance.

Ambry Genetics
Classification: Uncertain significance for Hereditary cancer-predisposing syndrome. Last evaluated: 2025-03-20. Review status: criteria provided, single submitter. Criteria: Ambry Variant Classification Scheme 2023. Collection method: clinical testing. Allele origin: germline.
Comment: The p.S1622F variant (also known as c.4865C>T) is located in coding exon 34 of the SMARCA4 gene. The serine at codon 1622 is replaced by phenylalanine, an amino acid with highly dissimilar properties. This change occurs in the first base pair of coding exon 34. This amino acid position is well conserved in available vertebrate species. In addition, the in silico prediction for this alteration is inconclusive. Based on the available evidence, the clinical significance of this variant remains unclear.

Genome-Nilou Lab
Classification: Uncertain significance for Intellectual disability, autosomal dominant 16. Last evaluated: 2021-07-15. Review status: criteria provided, single submitter. Criteria: ACMG Guidelines, 2015. Collection method: clinical testing. Allele origin: germline. Affected: no.

Quest Diagnostics Nichols Institute San Juan Capistrano
Classification: Uncertain significance. Last evaluated: 2021-04-30. Review status: criteria provided, single submitter. Criteria: Quest Diagnostics criteria. Collection method: clinical testing. Allele origin: unknown.